The following is an entry in ClinVar:

ClinVar aggregate classification (germline): Conflicting classifications of pathogenicity. Review status: criteria provided, conflicting classifications (1 of 4 stars). 7 submissions from 7 submitters: Uncertain significance (1); Benign (2); Likely benign (3). 1 of the submissions does not count toward it. Last evaluated 2026-06-01.

Conditions:
DYSF-related disorder. Also called: DYSF-related condition; DYSF-related disorders.
Neuromuscular disease caused by qualitative or quantitative defects of dysferlin. Also called: Dysferlinopathy; Qualitative or quantitative defects of dysferlin. Identifiers: Orphanet 207073, MedGen C2931687, MONDO:0016145.

Allele frequency attached by ClinVar (database versions not stated): gnomAD exomes 0.00049 and 0.00021; ESP Exome Variant Server 0.00008; 1000 Genomes Project 0.00020; gnomAD 0.00030; 1000 Genomes Project 30x 0.00031; TOPMed 0.00032; ExAC 0.00033.
gnomAD v4.1: 380 of 1,613,814 alleles (0.024%); highest among the groups gnomAD compares: Middle Eastern, 0.049%; no homozygotes.

Submissions (7):

CeGaT Center for Human Genetics Tuebingen
Classification: Likely benign. Last evaluated: 2026-06-01. Review status: criteria provided, single submitter. Criteria: CeGaT Center For Human Genetics Tuebingen Variant Classification Criteria Version 2. Collection method: clinical testing. Allele origin: germline. Affected: yes. Observed: 1 variant allele.
Comment: DYSF: BP4, BP7

Labcorp Genetics (formerly Invitae), Labcorp
Classification: Benign for Neuromuscular disease caused by qualitative or quantitative defects of dysferlin. Last evaluated: 2026-02-04. Review status: criteria provided, single submitter. Criteria: Invitae Variant Classification Sherloc (09022015). Collection method: clinical testing. Allele origin: germline.

Blueprint Genetics
Classification: Likely benign. Last evaluated: 2024-11-05. Review status: criteria provided, single submitter. Criteria: ACMG Guidelines, 2015. Collection method: clinical testing. Allele origin: germline.

Athena Diagnostics
Classification: Benign. Last evaluated: 2024-06-24. Review status: criteria provided, single submitter. Criteria: Athena Diagnostics Criteria. Collection method: clinical testing. Allele origin: unknown.

Eurofins Ntd Llc (ga)
Classification: Likely benign. Last evaluated: 2017-05-04. Review status: criteria provided, single submitter. Criteria: EGL Classification Definitions 2015. Collection method: clinical testing. Allele origin: germline. Observed: 2 variant alleles, 2 heterozygotes.

Illumina Laboratory Services, Illumina
Classification: Uncertain significance for Qualitative or quantitative defects of dysferlin. Last evaluated: 2017-04-27. Review status: criteria provided, single submitter. Criteria: ICSL Variant Classification Criteria 13 December 2019. Collection method: clinical testing. Allele origin: germline.

PreventionGenetics, part of Exact Sciences
Classification: Likely benign for DYSF-related condition. Last evaluated: 2019-04-15. Review status: no assertion criteria provided. Collection method: clinical testing. Allele origin: germline. Not counted in ClinVar's aggregate classification.
Comment: This variant is classified as likely benign based on ACMG/AMP sequence variant interpretation guidelines (Richards et al. 2015 PMID: 25741868, with internal and published modifications).

Literature cited by the submitters: PubMed 25356899 (cited by Athena Diagnostics).

NM_001130987.2(DYSF):c.5478C>T (p.Val1826=)

Gene: DYSF (dysferlin; plus strand). Cytogenetic location: 2p13.2.
Variant type: single nucleotide variant.
Coding change: c.5478C>T on transcript NM_001130987.2 (MANE Select); coding-DNA position 5478, C replaced by T.
Protein change: p.Val1826=; no amino-acid change (valine 1826 retained).
Molecular consequence: synonymous variant.
Genome position (GRCh38, 1-based): chr2:71,668,774, C>T. VCF-style: chr2-71668774-C-T. GRCh37 (hg19) VCF-style: chr2-71895904-C-T.
Other names: c.5364C>T, p.Val1788= (NM_001130455.2); c.5319C>T, p.Val1773= (NM_001130976.2); c.5382C>T, p.Val1794= (NM_001130977.2); c.5424C>T, p.Val1808= (NM_001130978.2); c.5454C>T, p.Val1818= (NM_001130979.2); c.5412C>T, p.Val1804= (NM_001130980.2); c.5475C>T, p.Val1825= (NM_001130981.2); c.5457C>T, p.Val1819= (NM_001130982.2); and 5 more.
Identifiers: ClinVar variation 286457 (VCV000286457.27), dbSNP rs145143725, ClinGen allele CA1707398.
Genomic context (GRCh38, chr2:71,668,774, plus strand): 5'-AATGAGAAGGGTGGGGAGAGAACGGACCCTGTCTCCGCAGGGGAAGCTGCAGATGTGGGT[C>T]GACCTATTTCCGAAGGCCCTGGGGCGGCCTGGACCTCCCTTCAACATCACCCCACGGAGA-3'
Protein context (NP_001124459.1, residues 1816-1836): DIEQGKLQMW[Val1826=]DLFPKALGRP